The following is an entry in ClinVar:

NM_001042492.3(NF1):c.5790dup (p.Ile1931fs)

Gene: NF1 (neurofibromin 1; plus strand). Cytogenetic location: 17q11.2.
Variant type: Duplication.
Coding change: c.5790dup on transcript NM_001042492.3 (MANE Select); coding-DNA position 5790, one base duplicated (T; older notation c.5790dupT).
Protein change: p.Ile1931fs; shifts the reading frame from isoleucine 1931.
Molecular consequence: frameshift variant.
Genome position (GRCh38, 1-based): chr17:31,330,476, T duplicated. VCF-style (leftmost placement, unchanged base first): chr17-31330475-G-GT. GRCh37 (hg19) VCF-style: chr17-29657493-G-GT.
Other names: c.5727dup, p.Ile1910fs (NM_000267.4); short protein forms I1931fs, I1910fs.
Identifiers: ClinVar variation 4737660 (VCV004737660.1).
Genomic context (GRCh38, chr17:31,330,475, plus strand): 5'-CTATTAGTAAGACACTGGCAGCCAATGAGCCACACCTCACGTTAGAATTTTTGGAAGAGT[G>GT]TATTTCTGGATTTAGCAAATCTAGTAAGTAATGATAATTTTCTTTAATACTAACAATTAT-3'

ClinVar aggregate classification (germline): Pathogenic (1 of 4 stars; one submission).

Conditions:
Neurofibromatosis, type 1 (NF1). Also called: VON RECKLINGHAUSEN DISEASE; Peripheral type neurofibromatosis; NEUROFIBROMATOSIS, TYPE I, SOMATIC; Neurofibromatosis, type I. Identifiers: Orphanet 636, MedGen C0027831, MONDO:0018975, OMIM 162200. Disease mechanism: loss of function.

Submission:

Labcorp Genetics (formerly Invitae), Labcorp
Classification: Pathogenic for Neurofibromatosis, type 1. Last evaluated: 2025-07-03. Review status: criteria provided, single submitter. Criteria: Invitae Variant Classification Sherloc (09022015). Collection method: clinical testing. Allele origin: germline.
Comment: This sequence change creates a premature translational stop signal (p.Ile1910Tyrfs*5) in the NF1 gene. It is expected to result in an absent or disrupted protein product. Loss-of-function variants in NF1 are known to be pathogenic (PMID: 10712197, 23913538). This variant is not present in population databases (gnomAD no frequency). This premature translational stop signal has been observed in individual(s) with neurofibromatosis type 1 (PMID: 28598037). Algorithms developed to predict the effect of sequence changes on RNA splicing suggest that this variant may disrupt the consensus splice site. For these reasons, this variant has been classified as Pathogenic.

Literature cited by the submitters: PubMed 10712197; PubMed 23913538; PubMed 28598037.